The following is an entry in ClinVar:

ClinVar aggregate classification (germline): Uncertain significance (1 of 4 stars; one submission).

Submission:

GeneDx
Classification: Uncertain significance. Last evaluated: 2024-09-05. Review status: criteria provided, single submitter. Criteria: GeneDx Variant Classification Process June 2021. Collection method: clinical testing. Allele origin: germline. Affected: yes.
Comment: Not observed at significant frequency in large population cohorts (gnomAD); In silico analysis indicates that this missense variant does not alter protein structure/function; Has not been previously published as pathogenic or benign to our knowledge

NM_080552.3(SLC32A1):c.691A>G (p.Asn231Asp)

Gene: SLC32A1 (solute carrier family 32 member 1; plus strand). Cytogenetic location: 20q11.23.
Variant type: single nucleotide variant.
Coding change: c.691A>G on transcript NM_080552.3 (MANE Select); coding-DNA position 691, A replaced by G.
Protein change: p.Asn231Asp; replaces asparagine 231 with aspartic acid.
Molecular consequence: missense variant.
Genome position (GRCh38, 1-based): chr20:38,727,752, A>G. VCF-style: chr20-38727752-A-G. GRCh37 (hg19) VCF-style: chr20-37356395-A-G.
Other names: short protein forms N231D.
Identifiers: ClinVar variation 3767451 (VCV003767451.1).